The following is an entry in ClinVar:

ClinVar aggregate classification (germline): Uncertain significance (1 of 4 stars; one submission).

Conditions:
Emery-Dreifuss muscular dystrophy (EDMD). Also called: Scapuloperoneal syndrome, X-linked (formerly); Humeroperoneal neuromuscular disease, (formerly). Identifiers: Orphanet 261, MedGen C0410189, MONDO:0016830.

Allele frequency attached by ClinVar (database versions not stated): gnomAD exomes below 0.00001; TOPMed 0.00002.
gnomAD v4.1: 2 of 1,614,054 alleles (0.00012%); highest among the groups gnomAD compares: African/African-American, 0.0013%; no homozygotes.

Submission:

Labcorp Genetics (formerly Invitae), Labcorp
Classification: Uncertain significance for Emery-Dreifuss muscular dystrophy. Last evaluated: 2025-09-18. Review status: criteria provided, single submitter. Criteria: Invitae Variant Classification Sherloc (09022015). Collection method: clinical testing. Allele origin: germline.
Comment: This sequence change creates a premature translational stop signal (p.Gln375*) in the SUN1 gene. It is expected to result in an absent or disrupted protein product. However, the current clinical and genetic evidence is not sufficient to establish whether loss-of-function variants in SUN1 cause disease. This variant is not present in population databases (gnomAD no frequency). This variant has not been reported in the literature in individuals affected with SUN1-related conditions. ClinVar contains an entry for this variant (Variation ID: 2740039). In summary, the available evidence is currently insufficient to determine the role of this variant in disease. Therefore, it has been classified as a Variant of Uncertain Significance.

NM_001130965.3(SUN1):c.1123C>T (p.Gln375Ter)

Gene: SUN1 (Sad1 and UNC84 domain containing 1; plus strand). Cytogenetic location: 7p22.3.
Variant type: single nucleotide variant.
Coding change: c.1123C>T on transcript NM_001130965.3 (MANE Select); coding-DNA position 1123, C replaced by T.
Protein change: p.Gln375Ter; replaces glutamine 375 with a stop codon.
Molecular consequence: nonsense. On other transcripts: non-coding transcript variant (3).
Genome position (GRCh38, 1-based): chr7:853,478, C>T. VCF-style: chr7-853478-C-T. GRCh37 (hg19) VCF-style: chr7-893115-C-T.
Other names: c.1315C>T, p.Gln439Ter (NM_001367643.1); c.1054C>T, p.Gln352Ter (NM_001367644.1); c.1084C>T, p.Gln362Ter (NM_001367645.1, NM_001367689.1, NM_001367667.1); c.1252C>T, p.Gln418Ter (NM_001367646.1, NM_001367707.1); c.1165C>T, p.Gln389Ter (NM_001367647.1, NM_001367668.1); c.985C>T, p.Gln329Ter (NM_001367648.1); c.1168C>T, p.Gln390Ter (NM_001367649.1); c.1537C>T, p.Gln513Ter (NM_001367651.1); and 38 more; short protein forms Q186*, Q319*, Q353*, Q379*, Q389*, Q402*, Q436*, Q469*.
Identifiers: ClinVar variation 2740039 (VCV002740039.3), dbSNP rs1824133471, ClinGen allele CA366531232.
Genomic context (GRCh38, chr7:853,478, plus strand): 5'-GAGGCTTTTCCGTGGCATTGGATGAGTGGCGTGGAGCAGCAGGTGGCCTCTCTGTCTGGA[C>T]AGTGCCACCACCATGGTGAGAATCTCCGAGAGCTGACCACTTTGCTACAGAAGCTGCAGG-3'